The following is an entry in ClinVar:

NM_032861.4(SERAC1):c.*16A>G

Gene: SERAC1 (serine active site containing 1; minus strand). Cytogenetic location: 6q25.3.
Variant type: single nucleotide variant.
Coding change: c.*16A>G on transcript NM_032861.4 (MANE Select); 16 bases downstream of the stop codon, A replaced by G.
Molecular consequence: 3 prime UTR variant.
Genome position (GRCh38, 1-based): chr6:158,111,350, T>C on the plus strand (A>G on the coding strand, the complement: SERAC1 is on the minus strand). VCF-style: chr6-158111350-T-C. GRCh37 (hg19) VCF-style: chr6-158532382-T-C.
Identifiers: ClinVar variation 215138 (VCV000215138.3), dbSNP rs199625765, ClinGen allele CA322738.
Genomic context (GRCh38, chr6:158,111,350, plus strand): 5'-TAGAGCTTAAAAGAAGAAACAGAACACCAAGTTTCTTGCACTGAATTCACATATGAAAAC[T>C]GGAAGAGCACAACTGTTAGTTTTCAAGGTCTTTGGCTAAAGCTTCACGAATGAATTGTAA-3'

ClinVar aggregate classification (germline): Benign/Likely benign. Review status: criteria provided, multiple submitters, no conflicts (2 of 4 stars). 2 submissions from 2 submitters: Benign (1); Likely benign (1). Last evaluated 2024-10-31.

Allele frequency attached by ClinVar (database versions not stated): 1000 Genomes Project 30x 0.00016; 1000 Genomes Project 0.00020; ESP Exome Variant Server 0.00031; TOPMed 0.00058; gnomAD 0.00099 and 0.00102; gnomAD exomes 0.00105 and 0.00119; ExAC 0.00121.
gnomAD v4.1: 1,654 of 1,565,208 alleles (0.11%); highest among the groups gnomAD compares: Non-Finnish European, 0.1%; 4 homozygotes.

Submissions (2):

Blueprint Genetics
Classification: Likely benign. Last evaluated: 2024-10-31. Review status: criteria provided, single submitter. Criteria: ACMG Guidelines, 2015. Collection method: clinical testing. Allele origin: germline.

GeneDx
Classification: Benign. Last evaluated: 2014-06-16. Review status: criteria provided, single submitter. Criteria: GeneDx Variant Classification (06012015). Collection method: clinical testing. Allele origin: germline. Affected: yes.
Comment: This variant is considered likely benign or benign based on one or more of the following criteria: it is a conservative change, it occurs at a poorly conserved position in the protein, it is predicted to be benign by multiple in silico algorithms, and/or has population frequency not consistent with disease.